The following is an entry in ClinVar:

ClinVar aggregate classification (germline): Uncertain significance (1 of 4 stars; one submission).

Submission:

Ambry Genetics
Classification: Uncertain significance. Last evaluated: 2023-12-14. Review status: criteria provided, single submitter. Criteria: Ambry Variant Classification Scheme 2023. Collection method: clinical testing. Allele origin: germline.
Comment: The p.L327M variant (also known as c.979C>A), located in coding exon 3 of the ALPK2 gene, results from a C to A substitution at nucleotide position 979. The leucine at codon 327 is replaced by methionine, an amino acid with highly similar properties. This amino acid position is conserved. In addition, this alteration is predicted to be tolerated by in silico analysis. Since supporting evidence is limited at this time, the clinical significance of this alteration remains unclear.

NM_052947.4(ALPK2):c.979C>A (p.Leu327Met)

Genes: ALPK2 (alpha kinase 2; minus strand), LOC114803473 (ALPK2 eExon liver enhancer; plus strand). Cytogenetic location: 18q21.31.
Variant type: single nucleotide variant.
Coding change: c.979C>A on transcript NM_052947.4 (MANE Select); coding-DNA position 979, C replaced by A.
Protein change: p.Leu327Met; replaces leucine 327 with methionine.
Molecular consequence: missense variant.
Genome position (GRCh38, 1-based): chr18:58,579,797, G>T on the plus strand (C>A on the coding strand, the complement: ALPK2 is on the minus strand). VCF-style: chr18-58579797-G-T. GRCh37 (hg19) VCF-style: chr18-56247029-G-T.
Other names: short protein forms L327M.
Identifiers: ClinVar variation 3228876 (VCV003228876.1), dbSNP rs773784927, ClinGen allele CA402565256.